The following is an entry in ClinVar:

ClinVar aggregate classification (germline): Uncertain significance (1 of 4 stars; one submission).

Conditions:
Combined immunodeficiency due to DOCK8 deficiency (HIES2). Also called: HYPER-IgE RECURRENT INFECTION SYNDROME 2, AUTOSOMAL RECESSIVE; HIES autosomal recessive; Hyper-IgE recurrent infection syndrome, autosomal recessive; DOCK8 Deficiency; HYPER-IgE SYNDROME 2, AUTOSOMAL RECESSIVE, WITH RECURRENT INFECTIONS. Identifiers: Orphanet 217390, MedGen C4722305, MONDO:0009478, OMIM 243700.

Submission:

Labcorp Genetics (formerly Invitae), Labcorp
Classification: Uncertain significance for Hyper-Immunoglobulin E Syndrome, Autosomal Recessive. Last evaluated: 2018-08-22. Review status: criteria provided, single submitter. Criteria: Invitae Variant Classification Sherloc (09022015). Collection method: clinical testing. Allele origin: germline.
Comment: This variant results in a copy number gain of the genomic region encompassing exons 1-28 of the DOCK8 gene. The 5' end of this event is unknown as it extends beyond the assayed region for this gene and therefore may encompass additional genes. The 3' boundary is likely confined to intron 28 of the DOCK8 gene. As the precise location of this event is unknown, it may be in tandem or it may be located elsewhere in the genome. This variant has not been reported in the literature in individuals with DOCK8-related disease. In summary, the available evidence is currently insufficient to determine the role of this variant in disease. Therefore, it has been classified as a Variant of Uncertain Significance.

NC_000009.11:g.(?_214957)_(407089_?)dup

Genes: DOCK8-AS1 (DOCK8 antisense RNA 1; minus strand), DOCK8 (dedicator of cytokinesis 8; plus strand), LOC130001439 (ATAC-STARR-seq lymphoblastoid active region 28115; plus strand), LOC130001437 (ATAC-STARR-seq lymphoblastoid silent region 19722; plus strand), LOC126860552 (BRD4-independent group 4 enhancer GRCh37_chr9:285795-286994; plus strand) and 2 more. Cytogenetic location: 9p24.3.
Variant type: Duplication.
Identifiers: ClinVar variation 665045 (VCV000665045.1).